The following is an entry in ClinVar:

NM_001112726.3(CEP170B):c.678C>T (p.Phe226=)

Gene: CEP170B (centrosomal protein 170B; plus strand). Cytogenetic location: 14q32.33.
Variant type: single nucleotide variant.
Coding change: c.678C>T on transcript NM_001112726.3 (MANE Select); coding-DNA position 678, C replaced by T.
Protein change: p.Phe226=; no amino-acid change (phenylalanine 226 retained).
Molecular consequence: synonymous variant.
Genome position (GRCh38, 1-based): chr14:104,883,135, C>T. VCF-style: chr14-104883135-C-T. GRCh37 (hg19) VCF-style: chr14-105349472-C-T.
Other names: c.468C>T, p.Phe156= (NM_015005.3).
Identifiers: ClinVar variation 3056334 (VCV003056334.2), dbSNP rs12101026, ClinGen allele CA7375371.

ClinVar aggregate classification (germline): Benign (0 of 4 stars; one submission).

Conditions:
CEP170B-related disorder. Also called: CEP170B-related condition.

Allele frequency attached by ClinVar (database versions not stated): ESP Exome Variant Server 0.07169; TOPMed 0.08147; 1000 Genomes Project 0.08626; 1000 Genomes Project 30x 0.09229.

Submission:

PreventionGenetics, part of Exact Sciences
Classification: Benign for CEP170B-related condition. Last evaluated: 2019-04-11. Review status: no assertion criteria provided. Collection method: clinical testing. Allele origin: germline.
Comment: This variant is classified as benign based on ACMG/AMP sequence variant interpretation guidelines (Richards et al. 2015 PMID: 25741868, with internal and published modifications).